The following is an entry in ClinVar:

ClinVar aggregate classification (germline): Uncertain significance. Review status: criteria provided, multiple submitters, no conflicts (2 of 4 stars). 2 submissions from 2 submitters: Uncertain significance (2). Last evaluated 2025-10-01.

Conditions:
Acrocephalosyndactyly type I (ACS1). Also called: Apert syndrome; Acrocephalo-syndactyly type 1; ACS 1; Syndactylic oxycephaly. Identifiers: Orphanet 87, MedGen C0001193, MONDO:0007041, OMIM 101200.
LADD syndrome 1 (LADD1). Also called: Lacrimoauriculodentodigital syndrome 1. Identifiers: MedGen C5774323, MONDO:0100302, OMIM 149730.
Beare-Stevenson cutis gyrata syndrome (BSTVS). Identifiers: Orphanet 1555, MedGen C1852406, MONDO:0007412, OMIM 123790.
Pfeiffer syndrome (ACS5). Also called: ACS V. Identifiers: Orphanet 710, MedGen C0220658, MONDO:0007043, OMIM 101600.
Saethre-Chotzen syndrome (SCS). Also called: CHOTZEN SYNDROME; ACROCEPHALY, SKULL ASYMMETRY, AND MILD SYNDACTYLY; ACS III. Identifiers: Orphanet 794, MedGen C0175699, MONDO:0007042, OMIM 101400.
Familial scaphocephaly syndrome, McGillivray type. Also called: SCAPHOCEPHALY, MAXILLARY RETRUSION, AND IMPAIRED INTELLECTUAL DEVELOPMENT. Identifiers: Orphanet 168624, MedGen C1865070, MONDO:0012307, OMIM 609579.
Jackson-Weiss syndrome (JWS). Also called: CRANIOSYNOSTOSIS, MIDFACIAL HYPOPLASIA, AND FOOT ABNORMALITIES. Identifiers: Orphanet 1540, MedGen C0795998, MONDO:0007400, OMIM 123150. Disease mechanism: loss of function.
Antley-Bixler syndrome without genital anomalies or disordered steroidogenesis (ABS2). Also called: MULTISYNOSTOTIC OSTEODYSGENESIS WITH LONG BONE FRACTURES; Antley-Bixler Syndrome, Autosomal Dominant; Trapezoidocephaly synostosis syndrome; Osteodysgenesis, multisynostotic with fractures. Identifiers: Orphanet 596008, Orphanet 83, MedGen C2936791, MONDO:0020667, OMIM 207410.
Bent bone dysplasia syndrome 1 (BBDS1). Also called: FGFR2-related bent bone dysplasia. Identifiers: Orphanet 313855, MedGen C3281247, MONDO:0013815, OMIM 614592.
Crouzon syndrome. Also called: CRANIOFACIAL DYSOSTOSIS, TYPE I; Craniofacial dysostosis type 1; Crouzon craniofacial dysostosis; Crouzon disease; Craniofacial dysostosis. Identifiers: Orphanet 207, MedGen C0010273, MeSH D003394, MONDO:0007405, OMIM 123500, HP:0004439.
Gastric cancer. Also called: Malignant tumor of stomach; Stomach cancer. Identifiers: MedGen C0024623, MeSH D013274, MONDO:0001056, OMIM 613659, HP:0012126.

Allele frequency attached by ClinVar (database versions not stated): gnomAD exomes below 0.00001; ExAC 0.00001; gnomAD 0.00001; TOPMed 0.00001.
gnomAD v4.1: 8 of 1,613,704 alleles (0.0005%); highest among the groups gnomAD compares: Non-Finnish European, 0.00068%; no homozygotes.

Submissions (2):

GeneDx
Classification: Uncertain significance. Last evaluated: 2025-10-01. Review status: criteria provided, single submitter. Criteria: GeneDx Variant Classification Process June 2021. Collection method: clinical testing. Allele origin: germline. Affected: yes.
Comment: In silico analysis supports that this missense variant has a deleterious effect on protein structure/function; Has not been previously published as pathogenic or benign to our knowledge; This variant is associated with the following publications: (PMID: 11781872)

Fulgent Genetics
Classification: Uncertain significance for Acrocephalosyndactyly type I; Saethre-Chotzen syndrome; Pfeiffer syndrome; Jackson-Weiss syndrome; Crouzon syndrome; Beare-Stevenson cutis gyrata syndrome; LADD syndrome 1; Antley-Bixler syndrome without genital anomalies or disordered steroidogenesis; Familial scaphocephaly syndrome, McGillivray type; Gastric cancer; Bent bone dysplasia syndrome 1. Last evaluated: 2024-01-25. Review status: criteria provided, single submitter. Criteria: ACMG Guidelines, 2015. Collection method: clinical testing. Allele origin: germline.

NM_000141.5(FGFR2):c.1637A>C (p.Asn546Thr)

Gene: FGFR2 (fibroblast growth factor receptor 2; minus strand). Cytogenetic location: 10q26.13.
Variant type: single nucleotide variant.
Coding change: c.1637A>C on transcript NM_000141.5 (MANE Select); coding-DNA position 1637, A replaced by C.
Protein change: p.Asn546Thr; replaces asparagine 546 with threonine.
Molecular consequence: missense variant. On other transcripts: non-coding transcript variant (1).
Genome position (GRCh38, 1-based): chr10:121,498,530, T>G on the plus strand (A>C on the coding strand, the complement: FGFR2 is on the minus strand). VCF-style: chr10-121498530-T-G. GRCh37 (hg19) VCF-style: chr10-123258044-T-G.
Other names: c.1640A>C, p.Asn547Thr (NM_001144913.1, NM_022970.4); c.1301A>C, p.Asn434Thr (NM_001144914.1); c.1370A>C, p.Asn457Thr (NM_001144915.2, NM_023029.3); c.1292A>C, p.Asn431Thr (NM_001144916.2); c.1289A>C, p.Asn430Thr (NM_001144917.2); c.1286A>C, p.Asn429Thr (NM_001144918.2); c.1373A>C, p.Asn458Thr (NM_001144919.2); c.953A>C, p.Asn318Thr (NM_001320654.2); and 1 more; short protein forms N318T, N429T, N430T, N431T, N434T, N457T, N458T, N544T.
Identifiers: ClinVar variation 1700436 (VCV001700436.4), dbSNP rs765658636, ClinGen allele CA5720689.